The following is an entry in ClinVar:

ClinVar aggregate classification (germline): Uncertain significance (1 of 4 stars; one submission).

Submission:

GeneDx
Classification: Uncertain significance. Last evaluated: 2019-10-21. Review status: criteria provided, single submitter. Criteria: GeneDx Variant Classification Process June 2021. Collection method: clinical testing. Allele origin: germline. Affected: yes.
Comment: Not observed in large population cohorts (Lek et al., 2016); The majority of missense variants in this gene are considered pathogenic (Stenson et al., 2014); In silico analysis, which includes protein predictors and evolutionary conservation, supports a deleterious effect; Has not been previously published as pathogenic or benign to our knowledge

NM_130839.5(UBE3A):c.1933T>G (p.Phe645Val)

Genes: SNHG14 (small nucleolar RNA host gene 14; plus strand), UBE3A (ubiquitin protein ligase E3A; minus strand). Cytogenetic location: 15q11.2.
Variant type: single nucleotide variant.
Coding change: c.1933T>G on transcript NM_130839.5 (MANE Select); coding-DNA position 1933, T replaced by G.
Protein change: p.Phe645Val; replaces phenylalanine 645 with valine.
Molecular consequence: missense variant. On other transcripts: non-coding transcript variant (1).
Genome position (GRCh38, 1-based): chr15:25,356,717, A>C on the plus strand (T>G on the coding strand, the complement: UBE3A is on the minus strand). VCF-style: chr15-25356717-A-C. GRCh37 (hg19) VCF-style: chr15-25601864-A-C.
Other names: c.1873T>G, p.Phe625Val (NM_001354540.2, NM_001354541.2, NM_001354542.2 and 17 more transcripts); c.1933T>G, p.Phe645Val (NM_001354545.2, NM_001354538.2, NM_001354505.1); c.1756T>G, p.Phe586Val (NM_001354546.2); c.682T>G, p.Phe228Val (NM_001354550.2); c.622T>G, p.Phe208Val (NM_001354551.2); c.1942T>G, p.Phe648Val (NM_000462.5); short protein forms F208V, F228V, F586V, F625V, F645V, F648V.
Identifiers: ClinVar variation 1309532 (VCV001309532.2), dbSNP rs398124439, ClinGen allele CA391352429.